The following is an entry in ClinVar:

ClinVar aggregate classification (germline): Uncertain significance. Review status: criteria provided, multiple submitters, no conflicts (2 of 4 stars). 2 submissions from 2 submitters: Uncertain significance (2). Last evaluated 2025-03-13.

Conditions:
Inborn genetic diseases. Identifiers: MedGen C0950123, MeSH D030342.

Allele frequency attached by ClinVar (database versions not stated): gnomAD exomes below 0.00001; ExAC 0.00001; gnomAD 0.00001; TOPMed 0.00007.
gnomAD v4.1: 5 of 1,613,478 alleles (0.00031%); highest among the groups gnomAD compares: Admixed American, 0.005%; no homozygotes.

Submissions (2):

Labcorp Genetics (formerly Invitae), Labcorp
Classification: Uncertain significance. Last evaluated: 2025-03-13. Review status: criteria provided, single submitter. Criteria: Invitae Variant Classification Sherloc (09022015). Collection method: clinical testing. Allele origin: germline.
Comment: This sequence change replaces isoleucine, which is neutral and non-polar, with threonine, which is neutral and polar, at codon 818 of the SAMD9L protein (p.Ile818Thr). This variant is present in population databases (rs778780707, gnomAD 0.0009%). This variant has not been reported in the literature in individuals affected with SAMD9L-related conditions. ClinVar contains an entry for this variant (Variation ID: 1448676). Invitae Evidence Modeling of protein sequence and biophysical properties (such as structural, functional, and spatial information, amino acid conservation, physicochemical variation, residue mobility, and thermodynamic stability) indicates that this missense variant is expected to disrupt SAMD9L protein function with a positive predictive value of 80%. In summary, the available evidence is currently insufficient to determine the role of this variant in disease. Therefore, it has been classified as a Variant of Uncertain Significance.

Ambry Genetics
Classification: Uncertain significance for Inborn genetic diseases. Last evaluated: 2024-12-07. Review status: criteria provided, single submitter. Criteria: Ambry Variant Classification Scheme 2023. Collection method: clinical testing. Allele origin: germline.
Comment: The p.I818T variant (also known as c.2453T>C), located in coding exon 1 of the SAMD9L gene, results from a T to C substitution at nucleotide position 2453. The isoleucine at codon 818 is replaced by threonine, an amino acid with similar properties. This amino acid position is conserved. In addition, the in silico prediction for this alteration is inconclusive. Based on the available evidence, the clinical significance of this variant remains unclear.

NM_152703.5(SAMD9L):c.2453T>C (p.Ile818Thr)

Gene: SAMD9L (sterile alpha motif domain containing 9 like; minus strand). Cytogenetic location: 7q21.2.
Variant type: single nucleotide variant.
Coding change: c.2453T>C on transcript NM_152703.5 (MANE Select); coding-DNA position 2453, T replaced by C.
Protein change: p.Ile818Thr; replaces isoleucine 818 with threonine.
Molecular consequence: missense variant.
Genome position (GRCh38, 1-based): chr7:93,133,519, A>G on the plus strand (T>C on the coding strand, the complement: SAMD9L is on the minus strand). VCF-style: chr7-93133519-A-G. GRCh37 (hg19) VCF-style: chr7-92762832-A-G.
Other names: c.2453T>C, p.Ile818Thr (NM_001303496.3, NM_001303497.3, NM_001303498.3 and 5 more transcripts); c.2453T>C (NM_152703.2); short protein forms I818T.
Identifiers: ClinVar variation 1448676 (VCV001448676.8), dbSNP rs778780707, ClinGen allele CA4343588.